The following is an entry in ClinVar:

NM_015047.3(EMC1):c.1794G>T (p.Met598Ile)

Genes: EMC1 (ER membrane protein complex subunit 1; minus strand), EMC1-AS1 (EMC1 antisense RNA 1; plus strand). Cytogenetic location: 1p36.13.
Variant type: single nucleotide variant.
Coding change: c.1794G>T on transcript NM_015047.3 (MANE Select); coding-DNA position 1794, G replaced by T.
Protein change: p.Met598Ile; replaces methionine 598 with isoleucine.
Molecular consequence: missense variant.
Genome position (GRCh38, 1-based): chr1:19,231,411, C>A on the plus strand (G>T on the coding strand, the complement: EMC1 is on the minus strand). VCF-style: chr1-19231411-C-A. GRCh37 (hg19) VCF-style: chr1-19557905-C-A.
Other names: c.1791G>T, p.Met597Ile (NM_001271427.2, NM_001271428.2); c.1728G>T, p.Met576Ile (NM_001271429.2); c.1803G>T, p.Met601Ile (NM_001375820.1); c.1800G>T, p.Met600Ile (NM_001375821.1); short protein forms M576I, M597I, M598I, M601I, M600I.
Identifiers: ClinVar variation 2063191 (VCV002063191.4), dbSNP rs1034682764, ClinGen allele CA18815172.
Genomic context (GRCh38, chr1:19,231,411, plus strand): 5'-CACTGGGGGAGCTACCTGACTCCACTTCCCAAAAATGGGATTGAAGACATACAGAGAACT[C>A]ATTCCCGACTCCTAAAATGAGCAAACTGTCAGGCTCCACCAACAAGAAAAGACTGCAAAT-3'
Protein context (NP_055862.1, residues 588-608): TLLVKDKESG[Met598Ile]SSLYVFNPIF

ClinVar aggregate classification (germline): Uncertain significance (1 of 4 stars; one submission).

Allele frequency attached by ClinVar (database versions not stated): gnomAD exomes below 0.00001; gnomAD 0.00001; TOPMed 0.00001.
gnomAD v4.1: 3 of 1,611,888 alleles (0.00019%); highest among the groups gnomAD compares: African/African-American, 0.004%; no homozygotes.

Submission:

Labcorp Genetics (formerly Invitae), Labcorp
Classification: Uncertain significance. Last evaluated: 2023-04-28. Review status: criteria provided, single submitter. Criteria: Invitae Variant Classification Sherloc (09022015). Collection method: clinical testing. Allele origin: germline.
Comment: This sequence change replaces methionine, which is neutral and non-polar, with isoleucine, which is neutral and non-polar, at codon 598 of the EMC1 protein (p.Met598Ile). In summary, the available evidence is currently insufficient to determine the role of this variant in disease. Therefore, it has been classified as a Variant of Uncertain Significance. Algorithms developed to predict the effect of sequence changes on RNA splicing suggest that this variant may disrupt the consensus splice site. Advanced modeling of protein sequence and biophysical properties (such as structural, functional, and spatial information, amino acid conservation, physicochemical variation, residue mobility, and thermodynamic stability) performed at Invitae indicates that this missense variant is not expected to disrupt EMC1 protein function. ClinVar contains an entry for this variant (Variation ID: 2063191). This variant has not been reported in the literature in individuals affected with EMC1-related conditions. This variant is not present in population databases (gnomAD no frequency).